The following is an entry in ClinVar:

NM_004972.4(JAK2):c.2919C>G (p.Ile973Met)

Genes: INSL6 (insulin like 6; minus strand), JAK2 (Janus kinase 2; plus strand). Cytogenetic location: 9p24.1.
Variant type: single nucleotide variant.
Coding change: c.2919C>G on transcript NM_004972.4 (MANE Select); coding-DNA position 2919, C replaced by G.
Protein change: p.Ile973Met; replaces isoleucine 973 with methionine.
Molecular consequence: missense variant. On other transcripts: non-coding transcript variant (2).
Genome position (GRCh38, 1-based): chr9:5,090,771, C>G. VCF-style: chr9-5090771-C-G. GRCh37 (hg19) VCF-style: chr9-5090771-C-G.
Other names: c.2919C>G, p.Ile973Met (NM_001322194.2, NM_001322195.2, NM_001322196.2); c.1704C>G, p.Ile568Met (NM_001322198.2, NM_001322199.2); c.2472C>G, p.Ile824Met (NM_001322204.2); short protein forms I824M, I973M, I568M.
Identifiers: ClinVar variation 2102163 (VCV002102163.4), dbSNP rs1037047217, ClinGen allele CA372829620.

ClinVar aggregate classification (germline): Uncertain significance (1 of 4 stars; one submission).

Submission:

Labcorp Genetics (formerly Invitae), Labcorp
Classification: Uncertain significance. Last evaluated: 2022-07-09. Review status: criteria provided, single submitter. Criteria: Invitae Variant Classification Sherloc (09022015). Collection method: clinical testing. Allele origin: germline.
Comment: This sequence change replaces isoleucine, which is neutral and non-polar, with methionine, which is neutral and non-polar, at codon 973 of the JAK2 protein (p.Ile973Met). This variant is not present in population databases (gnomAD no frequency). This variant has not been reported in the literature in individuals affected with JAK2-related conditions. Algorithms developed to predict the effect of missense changes on protein structure and function are either unavailable or do not agree on the potential impact of this missense change (SIFT: "Deleterious"; PolyPhen-2: "Probably Damaging"; Align-GVGD: "Class C0"). In summary, the available evidence is currently insufficient to determine the role of this variant in disease. Therefore, it has been classified as a Variant of Uncertain Significance.